The following is an entry in ClinVar:

ClinVar aggregate classification (germline): Conflicting classifications of pathogenicity. Review status: criteria provided, conflicting classifications (1 of 4 stars). 2 submissions from 2 submitters: Uncertain significance (1); Likely benign (1). Last evaluated 2025-09-09.

Conditions:
Familial adenomatous polyposis 2. Also called: MUTYH-associated polyposis; MUTYH-related attenuated familial adenomatous polyposis; FAP type 2; Adenomas, multiple colorectal; MYH-associated polyposis; MUTYH Polyposis. Identifiers: Orphanet 220460, Orphanet 247798, MedGen C3272841, MONDO:0012041, OMIM 608456.
Hereditary cancer-predisposing syndrome. Also called: Hereditary Cancer Syndrome; Hereditary neoplastic syndrome; Neoplastic Syndromes, Hereditary; Tumor predisposition. Identifiers: Orphanet 140162, MedGen C0027672, MeSH D009386, MONDO:0015356.

Submissions (2):

Ambry Genetics
Classification: Likely benign for Hereditary cancer-predisposing syndrome. Last evaluated: 2025-09-09. Review status: criteria provided, single submitter. Criteria: Ambry Variant Classification Scheme 2023. Collection method: clinical testing. Allele origin: germline.

Labcorp Genetics (formerly Invitae), Labcorp
Classification: Uncertain significance for Familial adenomatous polyposis 2. Last evaluated: 2025-03-03. Review status: criteria provided, single submitter. Criteria: Invitae Variant Classification Sherloc (09022015). Collection method: clinical testing. Allele origin: germline.
Comment: This sequence change replaces threonine, which is neutral and polar, with alanine, which is neutral and non-polar, at codon 144 of the MUTYH protein (p.Thr144Ala). This variant is not present in population databases (gnomAD no frequency). This variant has not been reported in the literature in individuals affected with MUTYH-related conditions. ClinVar contains an entry for this variant (Variation ID: 1739611). An algorithm developed to predict the effect of missense changes on protein structure and function (PolyPhen-2) suggests that this variant is likely to be disruptive. In summary, the available evidence is currently insufficient to determine the role of this variant in disease. Therefore, it has been classified as a Variant of Uncertain Significance.

Literature cited by the submitters: PubMed 40738107 (cited by Ambry Genetics).

NM_001048174.2(MUTYH):c.346A>G (p.Thr116Ala)

Gene: MUTYH (mutY DNA glycosylase; minus strand). Cytogenetic location: 1p34.1.
Variant type: single nucleotide variant.
Coding change: c.346A>G on transcript NM_001048174.2 (MANE Select); coding-DNA position 346, A replaced by G.
Protein change: p.Thr116Ala; replaces threonine 116 with alanine.
Molecular consequence: missense variant. On other transcripts: non-coding transcript variant (1), intron variant (2).
Genome position (GRCh38, 1-based): chr1:45,333,129, T>C on the plus strand (A>G on the coding strand, the complement: MUTYH is on the minus strand). VCF-style: chr1-45333129-T-C. GRCh37 (hg19) VCF-style: chr1-45798801-T-C.
Other names: c.349A>G, p.Thr117Ala (NM_001407086.1, NM_001048172.2, NM_001407071.1 and 2 more transcripts); c.367A>G, p.Thr123Ala (NM_001407087.1); c.346A>G, p.Thr116Ala (NM_001407088.1, NM_001407089.1, NM_001048171.2 and 6 more transcripts); c.70A>G, p.Thr24Ala (NM_001407091.1, NM_001293192.2, NM_001293196.2); c.421A>G, p.Thr141Ala (NM_012222.3, NM_001407069.1); c.430A>G, p.Thr144Ala (NM_001128425.2); c.391A>G, p.Thr131Ala (NM_001293190.2); c.379A>G, p.Thr127Ala (NM_001293191.2, NM_001407077.1); and 3 more; short protein forms T117A, T141A, T123A, T127A, T116A, T131A, T24A, T88A.
Identifiers: ClinVar variation 1739611 (VCV001739611.8), dbSNP rs2524222177, ClinGen allele CA340136132.